The following is an entry in ClinVar:

NM_138694.4(PKHD1):c.2464G>C (p.Asp822His)

Gene: PKHD1 (PKHD1 ciliary IPT domain containing fibrocystin/polyductin; minus strand). Cytogenetic location: 6p12.2.
Variant type: single nucleotide variant.
Coding change: c.2464G>C on transcript NM_138694.4 (MANE Select); coding-DNA position 2464, G replaced by C.
Protein change: p.Asp822His; replaces aspartic acid 822 with histidine.
Molecular consequence: missense variant.
Genome position (GRCh38, 1-based): chr6:52,046,132, C>G on the plus strand (G>C on the coding strand, the complement: PKHD1 is on the minus strand). VCF-style: chr6-52046132-C-G. GRCh37 (hg19) VCF-style: chr6-51910930-C-G.
Other names: c.2464G>C, p.Asp822His (NM_170724.3); short protein forms D822H.
Identifiers: ClinVar variation 1810062 (VCV001810062.1), dbSNP rs370436973, ClinGen allele CA364443300.

ClinVar aggregate classification (germline): Uncertain significance (1 of 4 stars; one submission).

gnomAD v4.1: 3 of 1,613,412 alleles (0.00019%); highest among the groups gnomAD compares: African/African-American, 0.004%; no homozygotes.

Submission:

GeneDx
Classification: Uncertain significance. Last evaluated: 2022-06-27. Review status: criteria provided, single submitter. Criteria: GeneDx Variant Classification Process June 2021. Collection method: clinical testing. Allele origin: germline. Affected: yes.
Comment: Not observed at significant frequency in large population cohorts (gnomAD); In silico analysis supports that this missense variant has a deleterious effect on protein structure/function; In addition, in silico splice predictors suggests this variant may impact gene splicing. In the absence of RNA/functional studies, the actual effect of this sequence change is unknown.; Has not been previously published as pathogenic or benign to our knowledge